The following is an entry in ClinVar:

ClinVar aggregate classification (germline): Uncertain significance (1 of 4 stars; one submission).

Conditions:
Hereditary spastic paraplegia 48. Also called: Spastic paraplegia 48; SPASTIC PARAPLEGIA 48, AUTOSOMAL RECESSIVE. Identifiers: Orphanet 306511, MedGen C3150901, MONDO:0013342, OMIM 613647.

Submission:

Labcorp Genetics (formerly Invitae), Labcorp
Classification: Uncertain significance for Hereditary spastic paraplegia 48. Last evaluated: 2021-02-07. Review status: criteria provided, single submitter. Criteria: Invitae Variant Classification Sherloc (09022015). Collection method: clinical testing. Allele origin: germline.
Comment: This variant has not been reported in the literature in individuals with AP5Z1-related conditions. This sequence change replaces glutamine with leucine at codon 70 of the AP5Z1 protein (p.Gln70Leu). The glutamine residue is highly conserved and there is a moderate physicochemical difference between glutamine and leucine. This variant is not present in population databases (ExAC no frequency). Algorithms developed to predict the effect of missense changes on protein structure and function output the following: SIFT: "Tolerated"; PolyPhen-2: "Benign"; Align-GVGD: "Class C0". The leucine amino acid residue is found in multiple mammalian species, suggesting that this missense change does not adversely affect protein function. These predictions have not been confirmed by published functional studies and their clinical significance is uncertain. In summary, the available evidence is currently insufficient to determine the role of this variant in disease. Therefore, it has been classified as a Variant of Uncertain Significance.

NM_014855.3(AP5Z1):c.209A>T (p.Gln70Leu)

Gene: AP5Z1 (adaptor related protein complex 5 subunit zeta 1; plus strand). Cytogenetic location: 7p22.1.
Variant type: single nucleotide variant.
Coding change: c.209A>T on transcript NM_014855.3 (MANE Select); coding-DNA position 209, A replaced by T.
Protein change: p.Gln70Leu; replaces glutamine 70 with leucine.
Molecular consequence: missense variant. On other transcripts: non-coding transcript variant (1), intron variant (1).
Genome position (GRCh38, 1-based): chr7:4,781,597, A>T. VCF-style: chr7-4781597-A-T. GRCh37 (hg19) VCF-style: chr7-4821228-A-T.
Other names: c.-103+285A>T (NM_001364858.1); short protein forms Q70L.
Identifiers: ClinVar variation 1506630 (VCV001506630.7), dbSNP rs2115103040, ClinGen allele CA366674188.